The following is an entry in ClinVar:

ClinVar aggregate classification (germline): Uncertain significance (1 of 4 stars; one submission).

Conditions:
Aortic aneurysm, familial thoracic 7 (AAT7). Also called: AORTIC DISSECTION, FAMILIAL, WITH OR WITHOUT AORTIC ANEURYSM. Identifiers: MedGen C3151077, MONDO:0013418, OMIM 613780.

Allele frequency attached by ClinVar (database versions not stated): gnomAD exomes below 0.00001.
gnomAD v4.1: 3 of 1,614,198 alleles (0.00019%); highest among the groups gnomAD compares: Non-Finnish European, 0.00025%; no homozygotes.

Submission:

Labcorp Genetics (formerly Invitae), Labcorp
Classification: Uncertain significance for Aortic aneurysm, familial thoracic 7. Last evaluated: 2021-10-14. Review status: criteria provided, single submitter. Criteria: Invitae Variant Classification Sherloc (09022015). Collection method: clinical testing. Allele origin: germline.
Comment: This sequence change replaces threonine with asparagine at codon 346 of the MYLK protein (p.Thr346Asn). The threonine residue is highly conserved and there is a small physicochemical difference between threonine and asparagine. This variant is not present in population databases (ExAC no frequency). This variant has not been reported in the literature in individuals affected with MYLK-related conditions. Advanced modeling of protein sequence and biophysical properties (such as structural, functional, and spatial information, amino acid conservation, physicochemical variation, residue mobility, and thermodynamic stability) performed at Invitae indicates that this missense variant is not expected to disrupt MYLK protein function. In summary, the available evidence is currently insufficient to determine the role of this variant in disease. Therefore, it has been classified as a Variant of Uncertain Significance.

NM_053025.4(MYLK):c.1037C>A (p.Thr346Asn)

Gene: MYLK (myosin light chain kinase; minus strand). Cytogenetic location: 3q21.1.
Variant type: single nucleotide variant.
Coding change: c.1037C>A on transcript NM_053025.4 (MANE Select); coding-DNA position 1037, C replaced by A.
Protein change: p.Thr346Asn; replaces threonine 346 with asparagine.
Molecular consequence: missense variant.
Genome position (GRCh38, 1-based): chr3:123,733,959, G>T on the plus strand (C>A on the coding strand, the complement: MYLK is on the minus strand). VCF-style: chr3-123733959-G-T. GRCh37 (hg19) VCF-style: chr3-123452806-G-T.
Other names: c.509C>A, p.Thr170Asn (NM_001321309.2); c.1037C>A, p.Thr346Asn (NM_053026.4, NM_053027.4, NM_053028.4); short protein forms T170N, T346N.
Identifiers: ClinVar variation 1396490 (VCV001396490.6), dbSNP rs1321752866, ClinGen allele CA354239631.
Genomic context (GRCh38, chr3:123,733,959, plus strand): 5'-GGTGATAGGACCCCCAGGCCTGGTGCTCTTGGTTCCGGCTGAACTCTTGCGGCCTGCAGG[G>T]TGATGGAGCTGGAAGTCTTCTGAAGGACCGGGGTCTGCGGGGCCGTTCTGGGCGAGTCCT-3'
Protein context (NP_444253.3, residues 336-356): PVLQKTSSSI[Thr346Asn]LQAARVQPEP